The following is an entry in ClinVar:

ClinVar aggregate classification (germline): Uncertain significance. Review status: criteria provided, multiple submitters, no conflicts (2 of 4 stars). 4 submissions from 4 submitters: Uncertain significance (4). Last evaluated 2023-12-22.

Conditions:
Renal tubular dysgenesis. Also called: Renotubular dysgenesis. Identifiers: Orphanet 3033, MedGen C0266313, MONDO:0017609, HP:0008660.
Essential hypertension, genetic (EHT). Identifiers: MedGen CN305331, MONDO:0007781, OMIM 145500.
Renal tubular dysgenesis of genetic origin. Also called: PRIMITIVE RENAL TUBULE SYNDROME. Identifiers: Orphanet 97369, MedGen C5681536, MONDO:0009970, OMIM 267430.

Allele frequency attached by ClinVar (database versions not stated): ExAC 0.00004; gnomAD exomes 0.00007 and 0.00014; ESP Exome Variant Server 0.00008; gnomAD 0.00010; TOPMed 0.00011.
gnomAD v4.1: 207 of 1,604,024 alleles (0.013%); highest among the groups gnomAD compares: Non-Finnish European, 0.017%; no homozygotes.

Submissions (4):

Fulgent Genetics
Classification: Uncertain significance for Essential hypertension, genetic; Renal tubular dysgenesis of genetic origin. Last evaluated: 2023-12-22. Review status: criteria provided, single submitter. Criteria: ACMG Guidelines, 2015. Collection method: clinical testing. Allele origin: germline.

Labcorp Genetics (formerly Invitae), Labcorp
Classification: Uncertain significance. Last evaluated: 2022-04-09. Review status: criteria provided, single submitter. Criteria: Invitae Variant Classification Sherloc (09022015). Collection method: clinical testing. Allele origin: germline.
Comment: ClinVar contains an entry for this variant (Variation ID: 343670). This sequence change replaces alanine, which is neutral and non-polar, with threonine, which is neutral and polar, at codon 149 of the AGTR1 protein (p.Ala149Thr). This variant is present in population databases (rs140542820, gnomAD 0.02%). This variant has not been reported in the literature in individuals affected with AGTR1-related conditions. Algorithms developed to predict the effect of missense changes on protein structure and function are either unavailable or do not agree on the potential impact of this missense change (SIFT: "Tolerated"; PolyPhen-2: "Not Available"; Align-GVGD: "Class C0"). In summary, the available evidence is currently insufficient to determine the role of this variant in disease. Therefore, it has been classified as a Variant of Uncertain Significance.

Illumina Laboratory Services, Illumina
Classification: Uncertain significance for Renal tubular dysgenesis of genetic origin. Last evaluated: 2018-01-13. Review status: criteria provided, single submitter. Criteria: ICSL Variant Classification Criteria 13 December 2019. Collection method: clinical testing. Allele origin: germline.

Breakthrough Genomics
Classification: Uncertain significance. Review status: criteria provided, single submitter. Criteria: ACMG Guidelines, 2015. Collection method: not provided. Allele origin: germline. Inheritance: Autosomal recessive inheritance. Affected: yes.

NM_000685.5(AGTR1):c.340G>A (p.Ala114Thr)

Gene: AGTR1 (angiotensin II receptor type 1; plus strand). Cytogenetic location: 3q24.
Variant type: single nucleotide variant.
Coding change: c.340G>A on transcript NM_000685.5 (MANE Select); coding-DNA position 340, G replaced by A.
Protein change: p.Ala114Thr; replaces alanine 114 with threonine.
Molecular consequence: missense variant.
Genome position (GRCh38, 1-based): chr3:148,741,375, G>A. VCF-style: chr3-148741375-G-A. GRCh37 (hg19) VCF-style: chr3-148459162-G-A.
Other names: c.340G>A, p.Ala114Thr (NM_001382736.1, NM_001382737.1, NM_004835.5 and 3 more transcripts); short protein forms A149T, A114T.
Identifiers: ClinVar variation 343670 (VCV000343670.13), dbSNP rs140542820, ClinGen allele CA2657316.